The following is an entry in ClinVar:

ClinVar aggregate classification (germline): Uncertain significance (1 of 4 stars; one submission).

Conditions:
Overgrowth syndrome. Identifiers: Orphanet 93460, MedGen C2986703, MONDO:0019716.

Submission:

Clinical Genomics Laboratory, Washington University in St. Louis
Classification: Uncertain significance for Overgrowth syndrome. Last evaluated: 2024-01-12. Review status: criteria provided, single submitter. Criteria: ACMG Guidelines, 2015. Collection method: clinical testing. Allele origin: somatic.
Comment: The MTOR c.784C>T (p.His262Tyr) variant was identified at an allelic fraction consistent with somatic origin. This variant has been observed as an inherited germline variant in an individual with right sided hemi-hypertrophy, multiple jejunal atresia, and hypoketotic hypoinsulinaemic hypoglycaemia (Welters A et al., PMID: 37974153). Computational predictors indicate that the variant is damaging, evidence that correlates with impact to MTOR function. The variant is absent from the general population (gnomAD v4.0.0), indicating it is not a common variant. The MTOR gene is a gene that has a low rate of benign missense variation and where pathogenic missense variants are a common mechanism of disease. Based on an internally-developed protocol informed by the ACMG/AMP guidelines (Richards S et al., PMID: 25741868) and gene-specific practices from the ClinGen Criteria Specification Registry, the MTOR c.784C>T (p.His262Tyr) variant is classified as being of uncertain significance.

NM_004958.4(MTOR):c.784C>T (p.His262Tyr)

Gene: MTOR (mechanistic target of rapamycin kinase; minus strand). Cytogenetic location: 1p36.22.
Variant type: single nucleotide variant.
Coding change: c.784C>T on transcript NM_004958.4 (MANE Select); coding-DNA position 784, C replaced by T.
Protein change: p.His262Tyr; replaces histidine 262 with tyrosine.
Molecular consequence: missense variant. On other transcripts: 5 prime UTR variant (1).
Genome position (GRCh38, 1-based): chr1:11,253,895, G>A on the plus strand (C>T on the coding strand, the complement: MTOR is on the minus strand). VCF-style: chr1-11253895-G-A. GRCh37 (hg19) VCF-style: chr1-11313952-G-A.
Other names: c.784C>T, p.His262Tyr (NM_001386500.1); c.-356C>T (NM_001386501.1); short protein forms H262Y.
Identifiers: ClinVar variation 3238636 (VCV003238636.1), dbSNP rs2523433460.